The following is an entry in ClinVar:

NM_003482.4(KMT2D):c.7578A>G (p.Ala2526=)

Gene: KMT2D (lysine methyltransferase 2D; minus strand). Cytogenetic location: 12q13.12.
Variant type: single nucleotide variant.
Coding change: c.7578A>G on transcript NM_003482.4 (MANE Select); coding-DNA position 7578, A replaced by G.
Protein change: p.Ala2526=; no amino-acid change (alanine 2526 retained).
Molecular consequence: synonymous variant.
Genome position (GRCh38, 1-based): chr12:49,040,192, T>C on the plus strand (A>G on the coding strand, the complement: KMT2D is on the minus strand). VCF-style: chr12-49040192-T-C. GRCh37 (hg19) VCF-style: chr12-49433975-T-C.
Other names: c.7578A>G (NM_003482.3).
Identifiers: ClinVar variation 1353958 (VCV001353958.9), dbSNP rs375844857, ClinGen allele CA6547034.

ClinVar aggregate classification (germline): Benign/Likely benign. Review status: criteria provided, multiple submitters, no conflicts (2 of 4 stars). 2 submissions from 2 submitters: Benign (1); Likely benign (1). Last evaluated 2025-07-30.

Conditions:
KMT2D-related disorder. Also called: KMT2D-Related Disorders.
Kabuki syndrome. Also called: Kabuki make-up syndrome; NIIKAWA-KUROKI SYNDROME. Identifiers: Orphanet 2322, MedGen C0796004, MONDO:0016512.

Allele frequency attached by ClinVar (database versions not stated): gnomAD exomes 0.00001 and 0.00002; ExAC 0.00002; gnomAD 0.00007 and 0.00009; ESP Exome Variant Server 0.00008; TOPMed 0.00008.
gnomAD v4.1: 19 of 1,613,344 alleles (0.0012%); highest among the groups gnomAD compares: African/African-American, 0.017%; no homozygotes.

Submissions (2):

Labcorp Genetics (formerly Invitae), Labcorp
Classification: Benign for Kabuki syndrome. Last evaluated: 2025-07-30. Review status: criteria provided, single submitter. Criteria: Invitae Variant Classification Sherloc (09022015). Collection method: clinical testing. Allele origin: germline.

PreventionGenetics, part of Exact Sciences
Classification: Likely benign for KMT2D-related condition. Last evaluated: 2025-04-14. Review status: criteria provided, single submitter. Criteria: ACMG Guidelines, 2015. Collection method: clinical testing. Allele origin: germline.
Comment: This variant is classified as likely benign based on ACMG/AMP sequence variant interpretation guidelines (Richards et al. 2015 PMID: 25741868, with internal and published modifications).